The following is an entry in ClinVar:

NM_001190787.3(MCIDAS):c.1142G>A (p.Arg381His)

Gene: MCIDAS (multiciliate differentiation and DNA synthesis associated cell cycle protein; minus strand). Cytogenetic location: 5q11.2.
Variant type: single nucleotide variant.
Coding change: c.1142G>A on transcript NM_001190787.3 (MANE Select); coding-DNA position 1142, G replaced by A.
Protein change: p.Arg381His; replaces arginine 381 with histidine.
Molecular consequence: missense variant.
Genome position (GRCh38, 1-based): chr5:55,220,382, C>T on the plus strand (G>A on the coding strand, the complement: MCIDAS is on the minus strand). VCF-style: chr5-55220382-C-T. GRCh37 (hg19) VCF-style: chr5-54516210-C-T.
Other names: short protein forms R381H.
Identifiers: ClinVar variation 209009 (VCV000209009.8), dbSNP rs797045152, ClinGen allele CA346961.

ClinVar aggregate classification (germline): Likely pathogenic. Review status: criteria provided, single submitter (1 of 4 stars). 2 submissions from 2 submitters: Likely pathogenic (1). 1 of the submissions does not count toward it. Last evaluated 2022-06-27.

Conditions:
Ciliary dyskinesia, primary, 42. Also called: CILIARY DYSKINESIA, PRIMARY, 42, WITHOUT SITUS INVERSUS. Identifiers: MedGen C5231464, MONDO:0032872, OMIM 618695.
Primary ciliary dyskinesia. Also called: Ciliary dyskinesia. Identifiers: Orphanet 244, MedGen C0008780, MONDO:0016575, HP:0012265.

Submissions (2):

Labcorp Genetics (formerly Invitae), Labcorp
Classification: Likely pathogenic for Primary ciliary dyskinesia. Last evaluated: 2022-06-27. Review status: criteria provided, single submitter. Criteria: Invitae Variant Classification Sherloc (09022015). Collection method: clinical testing. Allele origin: germline.
Comment: In summary, the currently available evidence indicates that the variant is pathogenic, but additional data are needed to prove that conclusively. Therefore, this variant has been classified as Likely Pathogenic. Experimental studies are conflicting or provide insufficient evidence to determine the effect of this variant on MCIDAS function (PMID: 25048963). Algorithms developed to predict the effect of missense changes on protein structure and function (SIFT, PolyPhen-2, Align-GVGD) all suggest that this variant is likely to be disruptive. This sequence change replaces arginine, which is basic and polar, with histidine, which is basic and polar, at codon 381 of the MCIDAS protein (p.Arg381His). ClinVar contains an entry for this variant (Variation ID: 209009). This missense change has been observed in individual(s) with primary ciliary dyskinesia (PMID: 8813877, 25048963; Invitae). This variant is not present in population databases (gnomAD no frequency).

OMIM
Classification: Pathogenic for CILIARY DYSKINESIA, PRIMARY, 42. Last evaluated: 2019-12-13. Review status: no assertion criteria provided. Collection method: literature only. Allele origin: germline. Not counted in ClinVar's aggregate classification.

Literature cited by the submitters: PubMed 25048963 (cited by Labcorp Genetics (formerly Invitae), Labcorp and OMIM); PubMed 8813877 (cited by Labcorp Genetics (formerly Invitae), Labcorp and OMIM).